The following is an entry in ClinVar:

ClinVar aggregate classification (germline): Uncertain significance (1 of 4 stars; one submission).

Conditions:
Hereditary cancer-predisposing syndrome. Also called: Hereditary neoplastic syndrome; Tumor predisposition; Neoplastic Syndromes, Hereditary; Hereditary Cancer Syndrome. Identifiers: Orphanet 140162, MedGen C0027672, MeSH D009386, MONDO:0015356.

Submission:

Labcorp Genetics (formerly Invitae), Labcorp
Classification: Uncertain significance for Hereditary cancer-predisposing syndrome. Last evaluated: 2021-02-01. Review status: criteria provided, single submitter. Criteria: Invitae Variant Classification Sherloc (09022015). Collection method: clinical testing. Allele origin: germline.
Comment: This sequence change replaces alanine with threonine at codon 375 of the RAD50 protein (p.Ala375Thr). The alanine residue is moderately conserved and there is a small physicochemical difference between alanine and threonine. This variant has not been reported in the literature in individuals with RAD50-related conditions. This variant is not present in population databases (ExAC no frequency). In summary, the available evidence is currently insufficient to determine the role of this variant in disease. Therefore, it has been classified as a Variant of Uncertain Significance. Algorithms developed to predict the effect of missense changes on protein structure and function (SIFT, PolyPhen-2, Align-GVGD) all suggest that this variant is likely to be tolerated, but these predictions have not been confirmed by published functional studies and their clinical significance is uncertain.

NM_005732.4(RAD50):c.1123G>A (p.Ala375Thr)

Gene: RAD50 (RAD50 double strand break repair protein; plus strand). Cytogenetic location: 5q31.1.
Variant type: single nucleotide variant.
Coding change: c.1123G>A on transcript NM_005732.4 (MANE Select); coding-DNA position 1123, G replaced by A.
Protein change: p.Ala375Thr; replaces alanine 375 with threonine.
Molecular consequence: missense variant.
Genome position (GRCh38, 1-based): chr5:132,588,758, G>A. VCF-style: chr5-132588758-G-A. GRCh37 (hg19) VCF-style: chr5-131924450-G-A.
Other names: short protein forms A375T.
Identifiers: ClinVar variation 1506332 (VCV001506332.8), dbSNP rs1338084339, ClinGen allele CA360942479.